The following is an entry in ClinVar:

ClinVar aggregate classification (germline): Uncertain significance (1 of 4 stars; one submission).

Conditions:
Glycogen storage disease IXb (GSD9B). Also called: GLYCOGENOSIS OF LIVER AND MUSCLE, AUTOSOMAL RECESSIVE; GSD IXb; PHOSPHORYLASE KINASE DEFICIENCY OF LIVER AND MUSCLE, AUTOSOMAL RECESSIVE. Identifiers: Orphanet 79240, MedGen C0543514, MONDO:0009868, OMIM 261750.

Submissions (2):

Labcorp Genetics (formerly Invitae), Labcorp
Classification: Uncertain significance for Glycogen storage disease IXb. Last evaluated: 2021-09-01. Review status: criteria provided, single submitter. Criteria: Invitae Variant Classification Sherloc (09022015). Collection method: clinical testing. Allele origin: germline.
Comment: This sequence change falls in intron 30 of the PHKB gene. It does not directly change the encoded amino acid sequence of the PHKB protein. This variant is present in population databases (rs759760999, ExAC 0.004%). This variant has not been reported in the literature in individuals affected with PHKB-related conditions. Algorithms developed to predict the effect of sequence changes on RNA splicing suggest that this variant may disrupt the consensus splice site. In summary, the available evidence is currently insufficient to determine the role of this variant in disease. Therefore, it has been classified as a Variant of Uncertain Significance.

Dr. Peter K. Rogan Lab, Western University
No classification provided (evidence only). Condition: Uveal melanoma. Review status: no classification provided. Collection method: in vitro. Allele origin: not applicable. Functional consequence: retained intron. Not counted in ClinVar's aggregate classification.

NM_000293.3(PHKB):c.3145-14_3145-7del

Gene: PHKB (phosphorylase kinase regulatory subunit beta; plus strand). Cytogenetic location: 16q12.1.
Variant type: Deletion.
Coding change: c.3145-14_3145-7del on transcript NM_000293.3 (MANE Select); 14 bases into the intron before coding-DNA position 3145 through 7 bases into the intron before coding-DNA position 3145, 8 bases deleted (GTTTTCCT; older notation c.3145-14_3145-7delGTTTTCCT).
Molecular consequence: intron variant.
Genome position (GRCh38, 1-based): chr16:47,699,215-47,699,222, GTTTTCCT deleted; deleting any 8 consecutive bases within chr16:47,699,213-47,699,222 gives the same sequence; the c. name uses the placement nearest the transcript's 3' end. VCF-style (leftmost placement, unchanged base first): chr16-47699212-ACTGTTTTC-A. GRCh37 (hg19) VCF-style: chr16-47733123-ACTGTTTTC-A.
Other names: NC_000016.9:g.47733126_47733133del; c.3145-14_3145-7del (NM_001363837.1); c.3124-14_3124-7del (NM_001031835.3).
Identifiers: ClinVar variation 1437018 (VCV001437018.6), dbSNP rs759760999, ClinGen allele CA8041477.